The following is an entry in ClinVar:

NM_003482.4(KMT2D):c.1256T>G (p.Leu419Arg)

Gene: KMT2D (lysine methyltransferase 2D; minus strand). Cytogenetic location: 12q13.12.
Variant type: single nucleotide variant.
Coding change: c.1256T>G on transcript NM_003482.4 (MANE Select); coding-DNA position 1256, T replaced by G.
Protein change: p.Leu419Arg; replaces leucine 419 with arginine.
Molecular consequence: missense variant.
Genome position (GRCh38, 1-based): chr12:49,052,566, A>C on the plus strand (T>G on the coding strand, the complement: KMT2D is on the minus strand). VCF-style: chr12-49052566-A-C. GRCh37 (hg19) VCF-style: chr12-49446349-A-C.
Other names: short protein forms L419R.
Identifiers: ClinVar variation 1200212 (VCV001200212.3), dbSNP rs754226909, ClinGen allele CA6548542.

ClinVar aggregate classification (germline): Likely benign (1 of 4 stars; one submission).

Allele frequency attached by ClinVar (database versions not stated): gnomAD exomes below 0.00001; ExAC 0.00001; gnomAD 0.00001.
gnomAD v4.1: 3 of 1,612,868 alleles (0.00019%); highest among the groups gnomAD compares: African/African-American, 0.0013%; no homozygotes.

Submission:

GeneDx
Classification: Likely benign. Last evaluated: 2021-04-15. Review status: criteria provided, single submitter. Criteria: GeneDx Variant Classification Process June 2021. Collection method: clinical testing. Allele origin: germline. Affected: yes.
Comment: In silico analysis supports that this missense variant does not alter protein structure/function; Has not been previously published as pathogenic or benign to our knowledge